The following is an entry in ClinVar:

ClinVar aggregate classification (germline): Pathogenic (1 of 4 stars; one submission).

Conditions:
Methylmalonic aciduria, cblA type (MACA). Also called: Methylmalonic aciduria, vitamin B12-responsive; Vitamin B12-responsive methylmalonic acidemia type cblA; Methylmalonic aciduria, vitamin b12-responsive, due to defect in synthesis of adenosylcobalamin, cbla complementation type; MMA cbl A type; Methylmalonic acidemia cblA type. Identifiers: Orphanet 28, Orphanet 79310, MedGen C1855109, MONDO:0009613, OMIM 251100.

Submission:

Labcorp Genetics (formerly Invitae), Labcorp
Classification: Pathogenic for Methylmalonic aciduria, cblA type. Last evaluated: 2022-09-19. Review status: criteria provided, single submitter. Criteria: Invitae Variant Classification Sherloc (09022015). Collection method: clinical testing. Allele origin: germline.
Comment: This sequence change inserts a large fragment of DNA, likely a transposable element, in exon 7 of the MMAA gene (c.1229_1230ins?), causing a frameshift at codon 410 (p.Leu410fs). The exact size and sequence of the insertion cannot be determined by the current assay. However, the insertion is expected to result in an absent or disrupted protein product. This variant is not present in population databases (gnomAD no frequency). This variant has not been reported in the literature in individuals affected with MMAA-related conditions. Algorithms developed to predict the effect of sequence changes on RNA splicing suggest that this variant may create or strengthen a splice site. Retrotransposon insertions including LINE1 (L1), Alu, and SVA (SINE-VNTR-Alu) have been reported to be disease-causing through disruption of either a coding region or splice site (PMID: 19763152, 20307669, 22406018) and loss-of-function variants in MMAA are known to be pathogenic (PMID: 15523652, 15781192). For these reasons, this variant has been classified as Pathogenic.

Literature cited by the submitters: PubMed 19763152; PubMed 20307669; PubMed 22406018; PubMed 15523652; PubMed 15781192.

NM_172250.3(MMAA):c.1216_1229GCA[2]GACTTCTTTTTTTTTTTTTTTTTTTTTTNNNNNNNNNNGATCCGCCCGCCTCGGCCTCCCAAAGTGCTGGGATTACAGGCGTGAGCCACCGCGCCCGGCCGCAGCAGACTTCTT[1] (p.Leu410delinsPhePhePhePhePhePhePheXaaXaaXaaXaaIleArgProProArgProProLysValLeuGlyLeuGlnAlaTer)

Gene: MMAA (metabolism of cobalamin associated A; plus strand). Cytogenetic location: 4q31.21.
Variant type: Microsatellite.
Coding change: c.1216_1229GCA[2]GACTTCTTTTTTTTTTTTTTTTTTTTTTNNNNNNNNNNGATCCGCCCGCCTCGGCCTCCCAAAGTGCTGGGATTACAGGCGTGAGCCACCGCGCCCGGCCGCAGCAGACTTCTT[1] on transcript NM_172250.3 (MANE Select).
Protein change: p.Leu410delinsPhePhePhePhePhePhePheXaaXaaXaaXaaIleArgProProArgProProLysValLeuGlyLeuGlnAlaTer.
Molecular consequence: nonsense.
Genome position: GRCh38: chr4:145,655,393-145,655,406. GRCh37 (hg19): chr4:146,576,545-146,576,558.
Other names: c.1216_1229GCA[2]GACTTCTTTTTTTTTTTTTTTTTTTTTTNNNNNNNNNNGATCCGCCCGCCTCGGCCTCCCAAAGTGCTGGGATTACAGGCGTGAGCCACCGCGCCCGGCCGCAGCAGACTTCTT[1], p.Leu410delinsPhePhePhePhePhePhePheXaaXaaXaaXaaIleArgProProArgProProLysValLeuGlyLeuGlnAlaTer (NM_001375644.1).
Identifiers: ClinVar variation 1975237 (VCV001975237.2).